The following is an entry in ClinVar:

NM_001267550.2(TTN):c.56715G>A (p.Trp18905Ter)

Genes: TTN (titin; minus strand), TTN-AS1 (TTN antisense RNA 1; plus strand). Cytogenetic location: 2q31.2.
Variant type: single nucleotide variant.
Coding change: c.56715G>A on transcript NM_001267550.2 (MANE Select); coding-DNA position 56715, G replaced by A.
Protein change: p.Trp18905Ter; replaces tryptophan 18905 with a stop codon.
Molecular consequence: nonsense.
Genome position (GRCh38, 1-based): chr2:178,598,995, C>T on the plus strand (G>A on the coding strand, the complement: TTN is on the minus strand). VCF-style: chr2-178598995-C-T. GRCh37 (hg19) VCF-style: chr2-179463722-C-T.
Other names: c.51792G>A, p.Trp17264Ter (NM_001256850.1); c.29520G>A, p.Trp9840Ter (NM_003319.4); c.49011G>A, p.Trp16337Ter (NM_133378.4); c.29895G>A, p.Trp9965Ter (NM_133432.3); c.30096G>A, p.Trp10032Ter (NM_133437.4); short protein forms W18905*, W9840*, W9965*, W10032*, W17264*, W16337*.
Identifiers: ClinVar variation 2030447 (VCV002030447.4), dbSNP rs2469872185, ClinGen allele CA349527662.

ClinVar aggregate classification (germline): Likely pathogenic (1 of 4 stars; one submission).

Conditions:
Dilated cardiomyopathy 1G (CMD1G). Identifiers: Orphanet 154, MedGen C1858763, MONDO:0011400, OMIM 604145.
Autosomal recessive limb-girdle muscular dystrophy type 2J (LGMDR10). Also called: Limb-girdle muscular dystrophy, type 2J; MUSCULAR DYSTROPHY, LIMB-GIRDLE, AUTOSOMAL RECESSIVE 10. Identifiers: Orphanet 140922, MedGen C1837342, MONDO:0012127, OMIM 608807.

Submission:

Labcorp Genetics (formerly Invitae), Labcorp
Classification: Likely pathogenic for Dilated cardiomyopathy 1G; Autosomal recessive limb-girdle muscular dystrophy type 2J. Last evaluated: 2022-12-14. Review status: criteria provided, single submitter. Criteria: Invitae Variant Classification Sherloc (09022015). Collection method: clinical testing. Allele origin: germline.
Comment: This sequence change creates a premature translational stop signal (p.Trp18905*) in the TTN gene. While this is not anticipated to result in nonsense mediated decay, it is expected to create a truncated TTN protein. In summary, the currently available evidence indicates that the variant is pathogenic, but additional data are needed to prove that conclusively. Therefore, this variant has been classified as Likely Pathogenic. This variant is located in the A band of TTN (PMID: 25589632). Truncating variants in this region are significantly overrepresented in patients affected with dilated cardiomyopathy (PMID: 25589632). Truncating variants in this region have also been reported in individuals affected with autosomal recessive centronuclear myopathy (PMID: 23975875). This variant has not been reported in the literature in individuals affected with TTN-related conditions. This variant is not present in population databases (gnomAD no frequency).

Literature cited by the submitters: PubMed 25589632; PubMed 23975875.